The following is an entry in ClinVar:

ClinVar aggregate classification (germline): Likely benign (1 of 4 stars; one submission).

Submission:

CeGaT Center for Human Genetics Tuebingen
Classification: Likely benign. Last evaluated: 2026-03-01. Review status: criteria provided, single submitter. Criteria: CeGaT Center For Human Genetics Tuebingen Variant Classification Criteria Version 2. Collection method: clinical testing. Allele origin: germline. Affected: yes. Observed: 1 variant allele.
Comment: NBEAL2: PM2:Supporting, BP4, BP7

NM_015175.3(NBEAL2):c.6576C>T (p.Asp2192=)

Gene: NBEAL2 (neurobeachin like 2; plus strand). Cytogenetic location: 3p21.31.
Variant type: single nucleotide variant.
Coding change: c.6576C>T on transcript NM_015175.3 (MANE Select); coding-DNA position 6576, C replaced by T.
Protein change: p.Asp2192=; no amino-acid change (aspartic acid 2192 retained).
Molecular consequence: synonymous variant.
Genome position (GRCh38, 1-based): chr3:47,005,504, C>T. VCF-style: chr3-47005504-C-T. GRCh37 (hg19) VCF-style: chr3-47046994-C-T.
Other names: c.6474C>T, p.Asp2158= (NM_001365116.2).
Identifiers: ClinVar variation 4822380 (VCV004822380.4).